The following is an entry in ClinVar:

NM_001692.4(ATP6V1B1):c.649C>T (p.His217Tyr)

Gene: ATP6V1B1 (ATPase H+ transporting V1 subunit B1; plus strand). Cytogenetic location: 2p13.3.
Variant type: single nucleotide variant.
Coding change: c.649C>T on transcript NM_001692.4 (MANE Select); coding-DNA position 649, C replaced by T.
Protein change: p.His217Tyr; replaces histidine 217 with tyrosine.
Molecular consequence: missense variant.
Genome position (GRCh38, 1-based): chr2:70,960,984, C>T. VCF-style: chr2-70960984-C-T. GRCh37 (hg19) VCF-style: chr2-71188114-C-T.
Other names: short protein forms H217Y.
Identifiers: ClinVar variation 3586873 (VCV003586873.2).

ClinVar aggregate classification (germline): Uncertain significance. Review status: criteria provided, multiple submitters, no conflicts (2 of 4 stars). 2 submissions from 2 submitters: Uncertain significance (2). Last evaluated 2025-10-03.

Conditions:
Renal tubular acidosis with progressive nerve deafness. Also called: renal tubular acidosis, distal, 2, with progressive sensorineural hearing loss; Distal Renal Tubular Acidosis with Progressive Sensorineural Deafness; RENAL TUBULAR ACIDOSIS, AUTOSOMAL RECESSIVE, WITH PROGRESSIVE NERVE DEAFNESS; RTA WITH PROGRESSIVE NERVE DEAFNESS. Identifiers: MedGen C0403554, MONDO:0009968, OMIM 267300.

gnomAD v4.1: 10 of 1,605,002 alleles (0.00062%); highest among the groups gnomAD compares: Non-Finnish European, 0.00085%; no homozygotes.

Submissions (2):

Rare Kidney Stone Consortium and the Mayo Clinic Hyperoxaluria Center, Mayo Clinic
Classification: Uncertain significance for Renal tubular acidosis with progressive nerve deafness. Last evaluated: 2025-10-03. Review status: criteria provided, single submitter. Criteria: ACMG Guidelines, 2015. Collection method: research. Allele origin: germline. Observed: 1 variant allele.
Comment: ACMG:PM1, PM2, PP3

Fulgent Genetics
Classification: Uncertain significance for Renal tubular acidosis with progressive nerve deafness. Last evaluated: 2024-05-07. Review status: criteria provided, single submitter. Criteria: ACMG Guidelines, 2015. Collection method: clinical testing. Allele origin: germline.

Literature cited by the submitters: PubMed 40794449 (cited by Rare Kidney Stone Consortium and the Mayo Clinic Hyperoxaluria Center, Mayo Clinic).